The following is an entry in ClinVar:

NM_001142800.2(EYS):c.6110G>A (p.Cys2037Tyr)

Gene: EYS (EGF-like photoreceptor maintenance factor; minus strand). Cytogenetic location: 6q12.
Variant type: single nucleotide variant.
Coding change: c.6110G>A on transcript NM_001142800.2 (MANE Select); coding-DNA position 6110, G replaced by A.
Protein change: p.Cys2037Tyr; replaces cysteine 2037 with tyrosine.
Molecular consequence: missense variant.
Genome position (GRCh38, 1-based): chr6:64,307,051, C>T on the plus strand (G>A on the coding strand, the complement: EYS is on the minus strand). VCF-style: chr6-64307051-C-T. GRCh37 (hg19) VCF-style: chr6-65016944-C-T.
Other names: c.6110G>A, p.Cys2037Tyr (NM_001292009.2); short protein forms C2037Y.
Identifiers: ClinVar variation 2904499 (VCV002904499.4), dbSNP rs1334628225, ClinGen allele CA364391851.

ClinVar aggregate classification (germline): Uncertain significance. Review status: criteria provided, multiple submitters, no conflicts (2 of 4 stars). 2 submissions from 2 submitters: Uncertain significance (2). Last evaluated 2024-10-25.

Allele frequency attached by ClinVar (database versions not stated): TOPMed below 0.00001.

Submissions (2):

Labcorp Genetics (formerly Invitae), Labcorp
Classification: Uncertain significance. Last evaluated: 2024-10-25. Review status: criteria provided, single submitter. Criteria: Invitae Variant Classification Sherloc (09022015). Collection method: clinical testing. Allele origin: germline.
Comment: This sequence change replaces cysteine, which is neutral and slightly polar, with tyrosine, which is neutral and polar, at codon 2037 of the EYS protein (p.Cys2037Tyr). This variant is not present in population databases (gnomAD no frequency). This variant has not been reported in the literature in individuals affected with EYS-related conditions. Invitae Evidence Modeling of protein sequence and biophysical properties (such as structural, functional, and spatial information, amino acid conservation, physicochemical variation, residue mobility, and thermodynamic stability) has been performed for this missense variant. However, the output from this modeling did not meet the statistical confidence thresholds required to predict the impact of this variant on EYS protein function. In summary, the available evidence is currently insufficient to determine the role of this variant in disease. Therefore, it has been classified as a Variant of Uncertain Significance.

Blueprint Genetics
Classification: Uncertain significance. Last evaluated: 2023-06-14. Review status: criteria provided, single submitter. Criteria: ACMG Guidelines, 2015. Collection method: clinical testing. Allele origin: germline.